The following is an entry in ClinVar:

NM_014208.3(DSPP):c.337A>C (p.Thr113Pro)

Genes: DMP1-AS1 (DMP1 and DSPP antisense RNA 1; minus strand), DSPP (dentin sialophosphoprotein; plus strand). Cytogenetic location: 4q22.1.
Variant type: single nucleotide variant.
Coding change: c.337A>C on transcript NM_014208.3 (MANE Select); coding-DNA position 337, A replaced by C.
Protein change: p.Thr113Pro; replaces threonine 113 with proline.
Molecular consequence: missense variant.
Genome position (GRCh38, 1-based): chr4:87,612,523, A>C. VCF-style: chr4-87612523-A-C. GRCh37 (hg19) VCF-style: chr4-88533675-A-C.
Other names: short protein forms T113P.
Identifiers: ClinVar variation 4992160 (VCV004992160.1).

ClinVar aggregate classification (germline): Uncertain significance (1 of 4 stars; one submission).

Conditions:
DSPP-related disorder. Also called: DSPP-related condition.

Submission:

PreventionGenetics, part of Exact Sciences
Classification: Uncertain significance for DSPP-related condition. Last evaluated: 2026-01-29. Review status: criteria provided, single submitter. Criteria: ACMG Guidelines, 2015. Collection method: clinical testing. Allele origin: germline.
Comment: The DSPP c.337A>C variant is predicted to result in the amino acid substitution p.Thr113Pro. To our knowledge, this variant has not been reported in the literature or in a large population database (gnomAD), indicating this variant is rare. At this time, the clinical significance of this variant is uncertain due to the absence of conclusive functional and genetic evidence.